The following is an entry in ClinVar:

NM_016507.4(CDK12):c.1462G>A (p.Glu488Lys)

Gene: CDK12 (cyclin dependent kinase 12; plus strand). Cytogenetic location: 17q12.
Variant type: single nucleotide variant.
Coding change: c.1462G>A on transcript NM_016507.4 (MANE Select); coding-DNA position 1462, G replaced by A.
Protein change: p.Glu488Lys; replaces glutamic acid 488 with lysine.
Molecular consequence: missense variant.
Genome position (GRCh38, 1-based): chr17:39,471,294, G>A. VCF-style: chr17-39471294-G-A. GRCh37 (hg19) VCF-style: chr17-37627547-G-A.
Other names: c.1462G>A, p.Glu488Lys (NM_015083.4); short protein forms E488K.
Identifiers: ClinVar variation 3489222 (VCV003489222.1).

ClinVar aggregate classification (germline): Uncertain significance (1 of 4 stars; one submission).

gnomAD v4.1: 31 of 1,613,522 alleles (0.0019%); highest among the groups gnomAD compares: Admixed American, 0.035%; no homozygotes.

Submission:

Ambry Genetics
Classification: Uncertain significance. Last evaluated: 2024-11-21. Review status: criteria provided, single submitter. Criteria: Ambry Variant Classification Scheme 2023. Collection method: clinical testing. Allele origin: germline.
Comment: The p.E488K variant (also known as c.1462G>A), located in coding exon 2 of the CDK12 gene, results from a G to A substitution at nucleotide position 1462. The glutamic acid at codon 488 is replaced by lysine, an amino acid with similar properties. This amino acid position is conserved. In addition, this alteration is predicted to be tolerated by in silico analysis. Based on the available evidence, the clinical significance of this variant remains unclear.